The following is an entry in ClinVar:

ClinVar aggregate classification (germline): Uncertain significance (1 of 4 stars; one submission).

gnomAD v4.1: 1 of 1,612,886 alleles (0.000062%); highest among the groups gnomAD compares: Non-Finnish European, 0.000085%; no homozygotes.

Submission:

Labcorp Genetics (formerly Invitae), Labcorp
Classification: Uncertain significance. Last evaluated: 2025-08-18. Review status: criteria provided, single submitter. Criteria: Invitae Variant Classification Sherloc (09022015). Collection method: clinical testing. Allele origin: germline.
Comment: This sequence change replaces lysine, which is basic and polar, with arginine, which is basic and polar, at codon 52 of the CD81 protein (p.Lys52Arg). This variant is not present in population databases (gnomAD no frequency). This variant has not been reported in the literature in individuals affected with CD81-related conditions. ClinVar contains an entry for this variant (Variation ID: 2875425). An algorithm developed to predict the effect of missense changes on protein structure and function outputs the following: PolyPhen-2: "Benign". The arginine amino acid residue is found in multiple mammalian species, which suggests that this missense change does not adversely affect protein function. In summary, the available evidence is currently insufficient to determine the role of this variant in disease. Therefore, it has been classified as a Variant of Uncertain Significance.

NM_004356.4(CD81):c.155A>G (p.Lys52Arg)

Gene: CD81 (CD81 molecule; plus strand). Cytogenetic location: 11p15.5.
Variant type: single nucleotide variant.
Coding change: c.155A>G on transcript NM_004356.4 (MANE Select); coding-DNA position 155, A replaced by G.
Protein change: p.Lys52Arg; replaces lysine 52 with arginine.
Molecular consequence: missense variant. On other transcripts: 5 prime UTR variant (1).
Genome position (GRCh38, 1-based): chr11:2,390,500, A>G. VCF-style: chr11-2390500-A-G. GRCh37 (hg19) VCF-style: chr11-2411730-A-G.
Other names: c.-59A>G (NM_001297649.2, NM_001425129.1, NM_001425131.1 and 3 more transcripts); c.-55A>G (NM_001425130.1); c.155A>G, p.Lys52Arg (NM_001425135.1, NM_001425137.1); short protein forms K52R.
Identifiers: ClinVar variation 2875425 (VCV002875425.3), dbSNP rs2496509460, ClinGen allele CA379120739.
Genomic context (GRCh38, chr11:2,390,500, plus strand): 5'-CCCTGTGGCTCCGCCATGACCCGCAGACCACCAACCTCCTGTATCTGGAGCTGGGAGACA[A>G]GCCCGCGCCCAACACCTTCTATGTAGGTGAGTGCACATGTGGCCGCAGACGCATTCAGGG-3'
Protein context (NP_004347.1, residues 42-62): TNLLYLELGD[Lys52Arg]PAPNTFYVGI